The following is an entry in ClinVar:

NM_018474.6(KIZ):c.257G>T (p.Arg86Leu)

Genes: KIZ (kizuna centrosomal protein; plus strand), LOC130065509 (ATAC-STARR-seq lymphoblastoid active region 17619; plus strand). Cytogenetic location: 20p11.23.
Variant type: single nucleotide variant.
Coding change: c.257G>T on transcript NM_018474.6 (MANE Select); coding-DNA position 257, G replaced by T.
Protein change: p.Arg86Leu; replaces arginine 86 with leucine.
Molecular consequence: missense variant. On other transcripts: 5 prime UTR variant (1), intron variant (4).
Genome position (GRCh38, 1-based): chr20:21,136,494, G>T. VCF-style: chr20-21136494-G-T. GRCh37 (hg19) VCF-style: chr20-21117135-G-T.
Other names: c.257G>T, p.Arg86Leu (NM_001352434.2); c.-130G>T (NM_001352436.2); c.169-9071G>T (NM_001276389.2); c.6+4335G>T (NM_001163022.3, NM_001352435.2, NM_001163023.3); short protein forms R86L.
Identifiers: ClinVar variation 839657 (VCV000839657.9), dbSNP rs373803095, ClinGen allele CA9784606.

ClinVar aggregate classification (germline): Conflicting classifications of pathogenicity. Review status: criteria provided, conflicting classifications (1 of 4 stars). 3 submissions from 3 submitters: Uncertain significance (2); Benign (1). Last evaluated 2024-09-10.

Allele frequency attached by ClinVar (database versions not stated): 1000 Genomes Project 30x 0.00016; TOPMed 0.00031.
gnomAD v4.1: 96 of 1,600,846 alleles (0.006%); highest among the groups gnomAD compares: African/African-American, 0.12%; no homozygotes.

Submissions (3):

Ambry Genetics
Classification: Uncertain significance. Last evaluated: 2024-09-10. Review status: criteria provided, single submitter. Criteria: Ambry Variant Classification Scheme 2023. Collection method: clinical testing. Allele origin: germline.

Labcorp Genetics (formerly Invitae), Labcorp
Classification: Uncertain significance. Last evaluated: 2022-10-25. Review status: criteria provided, single submitter. Criteria: Invitae Variant Classification Sherloc (09022015). Collection method: clinical testing. Allele origin: germline.
Comment: This sequence change replaces arginine, which is basic and polar, with leucine, which is neutral and non-polar, at codon 86 of the KIZ protein (p.Arg86Leu). This variant is present in population databases (rs373803095, gnomAD 0.1%). This variant has not been reported in the literature in individuals affected with KIZ-related conditions. ClinVar contains an entry for this variant (Variation ID: 839657). Experimental studies and prediction algorithms are not available or were not evaluated, and the functional significance of this variant is currently unknown. In summary, the available evidence is currently insufficient to determine the role of this variant in disease. Therefore, it has been classified as a Variant of Uncertain Significance.

Blueprint Genetics
Classification: Benign. Last evaluated: 2022-07-08. Review status: criteria provided, single submitter. Criteria: ACMG Guidelines, 2015. Collection method: clinical testing. Allele origin: germline.